The following is an entry in ClinVar:

NM_000061.3(BTK):c.349A>G (p.Thr117Ala)

Gene: BTK (Bruton tyrosine kinase; minus strand). Cytogenetic location: Xq22.1.
Variant type: single nucleotide variant.
Coding change: c.349A>G on transcript NM_000061.3 (MANE Select); coding-DNA position 349, A replaced by G.
Protein change: p.Thr117Ala; replaces threonine 117 with alanine.
Molecular consequence: missense variant.
Genome position (GRCh38, 1-based): chrX:101,370,040, T>C on the plus strand (A>G on the coding strand, the complement: BTK is on the minus strand). VCF-style: chrX-101370040-T-C. GRCh37 (hg19) VCF-style: chrX-100625028-T-C.
Other names: c.451A>G, p.Thr151Ala (NM_001287344.2); c.349A>G, p.Thr117Ala (NM_001287345.2); short protein forms T117A, T151A.
Identifiers: ClinVar variation 4706599 (VCV004706599.1).

ClinVar aggregate classification (germline): Uncertain significance (1 of 4 stars; one submission).

Conditions:
X-linked agammaglobulinemia with growth hormone deficiency (IGHD3). Also called: AGAMMAGLOBULINEMIA AND ISOLATED GROWTH HORMONE DEFICIENCY, X-LINKED; FLEISHER SYNDROME; HYPOGAMMAGLOBULINEMIA AND ISOLATED GROWTH HORMONE DEFICIENCY, X-LINKED; IGHD III; ISOLATED GROWTH HORMONE DEFICIENCY, TYPE III, WITH AGAMMAGLOBULINEMIA; Isolated growth hormone deficiency type 3. Identifiers: Orphanet 231692, Orphanet 631, MedGen C0472813, MONDO:0010615, OMIM 307200.

gnomAD v4.1: 2 of 1,211,289 alleles (0.00017%); highest among the groups gnomAD compares: Non-Finnish European, 0.00011%; no homozygotes.

Submission:

Labcorp Genetics (formerly Invitae), Labcorp
Classification: Uncertain significance for X-linked agammaglobulinemia with growth hormone deficiency. Last evaluated: 2025-09-16. Review status: criteria provided, single submitter. Criteria: Invitae Variant Classification Sherloc (09022015). Collection method: clinical testing. Allele origin: germline.
Comment: This sequence change replaces threonine, which is neutral and polar, with alanine, which is neutral and non-polar, at codon 117 of the BTK protein (p.Thr117Ala). This variant is not present in population databases (gnomAD no frequency). This variant has not been reported in the literature in individuals affected with BTK-related conditions. Invitae Evidence Modeling of protein sequence and biophysical properties (such as structural, functional, and spatial information, amino acid conservation, physicochemical variation, residue mobility, and thermodynamic stability) has been performed for this missense variant. However, the output from this modeling did not meet the statistical confidence thresholds required to predict the impact of this variant on BTK protein function. This variant disrupts the p.Thr117 amino acid residue in BTK. Other variant(s) that disrupt this residue have been determined to be pathogenic (PMID: 9445504, 11742281, 29709555; internal data). This suggests that this residue is clinically significant, and that variants that disrupt this residue are likely to be disease-causing. In summary, the available evidence is currently insufficient to determine the role of this variant in disease. Therefore, it has been classified as a Variant of Uncertain Significance.

Literature cited by the submitters: PubMed 9445504; PubMed 11742281; PubMed 29709555.